The following is an entry in ClinVar:

NM_001267550.2(TTN):c.35989G>A (p.Glu11997Lys)

Gene: TTN (titin; minus strand). Cytogenetic location: 2q31.2.
Variant type: single nucleotide variant.
Coding change: c.35989G>A on transcript NM_001267550.2 (MANE Select); coding-DNA position 35989, G replaced by A.
Protein change: p.Glu11997Lys; replaces glutamic acid 11997 with lysine.
Molecular consequence: missense variant. On other transcripts: intron variant (5).
Genome position (GRCh38, 1-based): chr2:178,665,431, C>T on the plus strand (G>A on the coding strand, the complement: TTN is on the minus strand). VCF-style: chr2-178665431-C-T. GRCh37 (hg19) VCF-style: chr2-179530158-C-T.
Other names: c.13283-23114G>A (NM_003319.4); c.13859-23114G>A (NM_133437.4); c.13658-23114G>A (NM_133432.3); c.31484-2376G>A (NM_133378.4); c.34265-2376G>A (NM_001256850.1); short protein forms E11997K.
Identifiers: ClinVar variation 4756085 (VCV004756085.1).

ClinVar aggregate classification (germline): Uncertain significance (1 of 4 stars; one submission).

Submission:

GeneDx
Classification: Uncertain significance. Last evaluated: 2025-08-06. Review status: criteria provided, single submitter. Criteria: GeneDx Variant Classification Process June 2021. Collection method: clinical testing. Allele origin: germline. Affected: yes.
Comment: Not observed at significant frequency in large population cohorts (gnomAD); Missense variant in a gene in which most reported pathogenic variants are truncating/loss of function; Has not been previously published as pathogenic or benign to our knowledge